The following is an entry in ClinVar:

NM_153006.3(NAGS):c.145C>T (p.Leu49Phe)

Gene: NAGS (N-acetylglutamate synthase; plus strand). Cytogenetic location: 17q21.31.
Variant type: single nucleotide variant.
Coding change: c.145C>T on transcript NM_153006.3 (MANE Select); coding-DNA position 145, C replaced by T.
Protein change: p.Leu49Phe; replaces leucine 49 with phenylalanine.
Molecular consequence: missense variant.
Genome position (GRCh38, 1-based): chr17:44,004,808, C>T. VCF-style: chr17-44004808-C-T. GRCh37 (hg19) VCF-style: chr17-42082176-C-T.
Other names: short protein forms L49F.
Identifiers: ClinVar variation 3251404 (VCV003251404.1), dbSNP rs2509277359.

ClinVar aggregate classification (germline): Uncertain significance (1 of 4 stars; one submission).

Submission:

Women's Health and Genetics/Laboratory Corporation of America, LabCorp
Classification: Uncertain significance. Last evaluated: 2024-04-09. Review status: criteria provided, single submitter. Criteria: LabCorp Variant Classification Summary - May 2015. Collection method: clinical testing. Allele origin: germline.
Comment: Variant summary: NAGS c.145C>T (p.Leu49Phe) results in a non-conservative amino acid change in the encoded protein sequence. Three of five in-silico tools predict a damaging effect of the variant on protein function. The frequency data for this variant in gnomAD is considered unreliable, as metrics indicate poor data quality at this position. To our knowledge, no occurrence of c.145C>T in individuals affected with Hyperammonemia, type III and no experimental evidence demonstrating its impact on protein function have been reported. No submitters have cited clinical-significance assessments for this variant to ClinVar. Based on the evidence outlined above, the variant was classified as uncertain significance.